The following is an entry in ClinVar:

ClinVar aggregate classification (germline): Likely benign. Review status: criteria provided, single submitter (1 of 4 stars). 2 submissions from 2 submitters: Likely benign (1). 1 of the submissions does not count toward it. Last evaluated 2022-10-01.

Conditions:
GLDN-related disorder. Also called: GLDN-related condition.

Allele frequency attached by ClinVar (database versions not stated): TOPMed 0.00009; gnomAD 0.00011; gnomAD exomes 0.00011; ESP Exome Variant Server 0.00015; ExAC 0.00017.
gnomAD v4.1: 182 of 1,613,966 alleles (0.011%); highest among the groups gnomAD compares: Non-Finnish European, 0.014%; no homozygotes.

Submissions (2):

CeGaT Center for Human Genetics Tuebingen
Classification: Likely benign. Last evaluated: 2022-10-01. Review status: criteria provided, single submitter. Criteria: CeGaT Center For Human Genetics Tuebingen Variant Classification Criteria Version 2. Collection method: clinical testing. Allele origin: germline. Affected: yes. Observed: 1 variant allele.
Comment: GLDN: BP4, BP7

PreventionGenetics, part of Exact Sciences
Classification: Likely benign for GLDN-related condition. Last evaluated: 2019-04-29. Review status: no assertion criteria provided. Collection method: clinical testing. Allele origin: germline. Not counted in ClinVar's aggregate classification.
Comment: This variant is classified as likely benign based on ACMG/AMP sequence variant interpretation guidelines (Richards et al. 2015 PMID: 25741868, with internal and published modifications).

NM_181789.4(GLDN):c.390C>T (p.Asn130=)

Gene: GLDN (gliomedin; plus strand). Cytogenetic location: 15q21.2.
Variant type: single nucleotide variant.
Coding change: c.390C>T on transcript NM_181789.4 (MANE Select); coding-DNA position 390, C replaced by T.
Protein change: p.Asn130=; no amino-acid change (asparagine 130 retained).
Molecular consequence: synonymous variant.
Genome position (GRCh38, 1-based): chr15:51,377,475, C>T. VCF-style: chr15-51377475-C-T. GRCh37 (hg19) VCF-style: chr15-51669672-C-T.
Other names: c.18C>T, p.Asn6= (NM_001330297.2); c.390C>T (NM_181789.2).
Identifiers: ClinVar variation 1879295 (VCV001879295.30), dbSNP rs200614681, ClinGen allele CA7560314.